The following is an entry in ClinVar:

ClinVar aggregate classification (germline): Likely benign. Review status: criteria provided, multiple submitters, no conflicts (2 of 4 stars). 2 submissions from 2 submitters: Likely benign (2). Last evaluated 2025-09-15.

Conditions:
TRPA1-related disorder. Also called: TRPA1-related condition.

gnomAD v4.1: 563 of 1,613,980 alleles (0.035%); highest among the groups gnomAD compares: South Asian, 0.29%; 6 homozygotes.

Submissions (2):

PreventionGenetics, part of Exact Sciences
Classification: Likely benign for TRPA1-related condition. Last evaluated: 2025-09-15. Review status: criteria provided, single submitter. Criteria: ACMG Guidelines, 2015. Collection method: clinical testing. Allele origin: germline.
Comment: This variant is classified as likely benign based on ACMG/AMP sequence variant interpretation guidelines (Richards et al. 2015 PMID: 25741868, with internal and published modifications).

Blueprint Genetics
Classification: Likely benign. Last evaluated: 2024-11-21. Review status: criteria provided, single submitter. Criteria: ACMG Guidelines, 2015. Collection method: clinical testing. Allele origin: germline.

NM_007332.3(TRPA1):c.932C>A (p.Thr311Asn)

Gene: TRPA1 (transient receptor potential cation channel subfamily A member 1; minus strand). Cytogenetic location: 8q21.11.
Variant type: single nucleotide variant.
Coding change: c.932C>A on transcript NM_007332.3 (MANE Select); coding-DNA position 932, C replaced by A.
Protein change: p.Thr311Asn; replaces threonine 311 with asparagine.
Molecular consequence: missense variant.
Genome position (GRCh38, 1-based): chr8:72,061,637, G>T on the plus strand (C>A on the coding strand, the complement: TRPA1 is on the minus strand). VCF-style: chr8-72061637-G-T. GRCh37 (hg19) VCF-style: chr8-72973872-G-T.
Other names: c.932C>A (NM_007332.2); short protein forms T311N.
Identifiers: ClinVar variation 4900856 (VCV004900856.2).
Genomic context (GRCh38, chr8:72,061,637, plus strand): 5'-TCATGAAGATGAAAAATCTGTATACAGAATGATAGGTAGGAAACTTGCCTGTGAAGCATG[G>T]TCTCATGACATCCATCGGTTGTGTTAACAATATCCACGCTACCAGAATAGGACGATATCA-3'
Protein context (NP_015628.2, residues 301-321): IVNTTDGCHE[Thr311Asn]MLHRASLFDH